The following is an entry in ClinVar:

NM_024105.4(ALG12):c.184G>A (p.Gly62Arg)

Gene: ALG12 (ALG12 alpha-1,6-mannosyltransferase; minus strand). Cytogenetic location: 22q13.33.
Variant type: single nucleotide variant.
Coding change: c.184G>A on transcript NM_024105.4 (MANE Select); coding-DNA position 184, G replaced by A.
Protein change: p.Gly62Arg; replaces glycine 62 with arginine.
Molecular consequence: missense variant.
Genome position (GRCh38, 1-based): chr22:49,913,496, C>T on the plus strand (G>A on the coding strand, the complement: ALG12 is on the minus strand). VCF-style: chr22-49913496-C-T. GRCh37 (hg19) VCF-style: chr22-50307144-C-T.
Other names: short protein forms G62R.
Identifiers: ClinVar variation 967487 (VCV000967487.11), dbSNP rs777719396, ClinGen allele CA10300704.

ClinVar aggregate classification (germline): Conflicting classifications of pathogenicity. Review status: criteria provided, conflicting classifications (1 of 4 stars). 3 submissions from 3 submitters: Likely pathogenic (1); Uncertain significance (2). Last evaluated 2025-11-01.

Conditions:
ALG12-congenital disorder of glycosylation (CDG1G). Also called: CDG Ig; ALG12-CDG; Congenital disorder of glycosylation, type Ig. Identifiers: Orphanet 79324, MedGen C2931001, MONDO:0011783, OMIM 607143.

Allele frequency attached by ClinVar (database versions not stated): ExAC 0.00001; gnomAD exomes 0.00001; gnomAD 0.00002; TOPMed 0.00003.
gnomAD v4.1: 18 of 1,613,812 alleles (0.0011%); highest among the groups gnomAD compares: African/African-American, 0.008%; no homozygotes.

Submissions (3):

Medical Molecular Genetics, National Research Centre
Classification: Uncertain significance for ALG12-congenital disorder of glycosylation. Last evaluated: 2025-11-01. Review status: criteria provided, single submitter. Criteria: ACMG Guidelines, 2015. Collection method: research. Allele origin: inherited. Affected: yes.

Women's Health and Genetics/Laboratory Corporation of America, LabCorp
Classification: Uncertain significance. Last evaluated: 2025-06-23. Review status: criteria provided, single submitter. Criteria: LabCorp Variant Classification Summary - May 2015. Collection method: clinical testing. Allele origin: germline.
Comment: Variant summary: ALG12 c.184G>A (p.Gly62Arg) results in a non-conservative amino acid change in the encoded protein sequence. Algorithms developed to predict the effect of missense changes on protein structure and function all suggest that this variant is likely to be disruptive. The variant allele was found at a frequency of 8e-06 in 251232 control chromosomes. The available data on variant occurrences in the general population are insufficient to allow any conclusion about variant significance. c.184G>A has been observed in at least one compound heterozygous individual affected with ALG12-Congenital Disorder Of Glycosylation (D'Gama_2022). These data do not allow any conclusion about variant significance. To our knowledge, no experimental evidence demonstrating an impact on protein function has been reported. The following publication has been ascertained in the context of this evaluation (PMID: 36064943). ClinVar contains an entry for this variant (Variation ID: 967487). Based on the evidence outlined above, the variant was classified as uncertain significance.

Labcorp Genetics (formerly Invitae), Labcorp
Classification: Likely pathogenic for ALG12-congenital disorder of glycosylation. Last evaluated: 2024-05-12. Review status: criteria provided, single submitter. Criteria: Invitae Variant Classification Sherloc (09022015). Collection method: clinical testing. Allele origin: germline.
Comment: This sequence change replaces glycine, which is neutral and non-polar, with arginine, which is basic and polar, at codon 62 of the ALG12 protein (p.Gly62Arg). This variant is present in population databases (rs777719396, gnomAD 0.008%). This missense change has been observed in individual(s) with clinical features of congenital disorders of glycosylation (Invitae). In at least one individual the data is consistent with being in trans (on the opposite chromosome) from a pathogenic variant. ClinVar contains an entry for this variant (Variation ID: 967487). Advanced modeling of protein sequence and biophysical properties (such as structural, functional, and spatial information, amino acid conservation, physicochemical variation, residue mobility, and thermodynamic stability) performed at Invitae indicates that this missense variant is expected to disrupt ALG12 protein function with a positive predictive value of 80%. In summary, the currently available evidence indicates that the variant is pathogenic, but additional data are needed to prove that conclusively. Therefore, this variant has been classified as Likely Pathogenic.

Literature cited by the submitters: PubMed 36064943 (cited by Women's Health and Genetics/Laboratory Corporation of America, LabCorp).